The following is an entry in ClinVar:

NM_000337.6(SGCD):c.3+3G>C

Gene: SGCD (sarcoglycan delta; plus strand). Cytogenetic location: 5q33.3.
Variant type: single nucleotide variant.
Coding change: c.3+3G>C on transcript NM_000337.6 (MANE Select); 3 bases into the intron after coding-DNA position 3, G replaced by C.
Molecular consequence: intron variant.
Genome position (GRCh38, 1-based): chr5:156,329,582, G>C. VCF-style: chr5-156329582-G-C. GRCh37 (hg19) VCF-style: chr5-155756592-G-C.
Other names: c.-1+2350G>C (NM_001128209.2); c.3+3G>C (NM_172244.3).
Identifiers: ClinVar variation 947854 (VCV000947854.8), dbSNP rs573109924, ClinGen allele CA3530433.
Genomic context (GRCh38, chr5:156,329,582, plus strand): 5'-TGTTCCTTGCAGAGACATTACTGCCGGGAGTGTTGAGTGAAGGGACCAGGTGGAGATGGT[G>C]AGTAATTCCCGGGAGCGAAGCTTGTTCAAGGCCCTGCTCATGGTCATTTTATTATTAACA-3'

ClinVar aggregate classification (germline): Uncertain significance. Review status: criteria provided, multiple submitters, no conflicts (2 of 4 stars). 2 submissions from 2 submitters: Uncertain significance (2). Last evaluated 2022-10-17.

Conditions:
Autosomal recessive limb-girdle muscular dystrophy type 2F (LGMDR6). Also called: Muscular dystrophy limb-girdle with delta-sarcoglyan deficiency; MUSCULAR DYSTROPHY, LIMB-GIRDLE, AUTOSOMAL RECESSIVE 6. Identifiers: Orphanet 219, MedGen C1832525, MONDO:0011028, OMIM 601287. Disease mechanism: Affects gamma-sarcoglycan and also disrupts the integrity of the entire sarcoglycan complex..

Allele frequency attached by ClinVar (database versions not stated): gnomAD exomes 0.00023; ExAC 0.00029; 1000 Genomes Project 30x 0.00047; 1000 Genomes Project 0.00060.
gnomAD v4.1: 171 of 1,613,078 alleles (0.011%); highest among the groups gnomAD compares: South Asian, 0.17%; no homozygotes.

Submissions (2):

Labcorp Genetics (formerly Invitae), Labcorp
Classification: Uncertain significance for Autosomal recessive limb-girdle muscular dystrophy type 2F. Last evaluated: 2022-10-17. Review status: criteria provided, single submitter. Criteria: Invitae Variant Classification Sherloc (09022015). Collection method: clinical testing. Allele origin: germline.
Comment: This sequence change falls in intron 2 of the SGCD gene. It does not directly change the encoded amino acid sequence of the SGCD protein. It affects a nucleotide within the consensus splice site. This variant is present in population databases (rs573109924, gnomAD 0.2%). This variant has not been reported in the literature in individuals affected with SGCD-related conditions. ClinVar contains an entry for this variant (Variation ID: 947854). Variants that disrupt the consensus splice site are a relatively common cause of aberrant splicing (PMID: 17576681, 9536098). Algorithms developed to predict the effect of sequence changes on RNA splicing suggest that this variant may disrupt the consensus splice site. In summary, the available evidence is currently insufficient to determine the role of this variant in disease. Therefore, it has been classified as a Variant of Uncertain Significance.

Revvity Omics, Revvity
Classification: Uncertain significance. Last evaluated: 2019-07-02. Review status: criteria provided, single submitter. Criteria: ACMG Guidelines, 2015. Collection method: clinical testing. Allele origin: germline.

Literature cited by the submitters: PubMed 17576681 (cited by Labcorp Genetics (formerly Invitae), Labcorp); PubMed 9536098 (cited by Labcorp Genetics (formerly Invitae), Labcorp).